The following is an entry in ClinVar:

ClinVar aggregate classification (germline): Likely benign (1 of 4 stars; one submission).

gnomAD v4.1: 1 of 1,602,030 alleles (0.000062%); highest among the groups gnomAD compares: Non-Finnish European, 0.000085%; no homozygotes.

Submission:

CeGaT Center for Human Genetics Tuebingen
Classification: Likely benign. Last evaluated: 2026-08-01. Review status: criteria provided, single submitter. Criteria: CeGaT Center For Human Genetics Tuebingen Variant Classification Criteria Version 2. Collection method: clinical testing. Allele origin: germline. Affected: yes. Observed: 1 variant allele.
Comment: OXR1: BP4, BP7

NM_001198533.2(OXR1):c.1672T>C (p.Leu558=)

Gene: OXR1 (oxidation resistance 1; plus strand). Cytogenetic location: 8q23.1.
Variant type: single nucleotide variant.
Coding change: c.1672T>C on transcript NM_001198533.2 (MANE Select); coding-DNA position 1672, T replaced by C.
Protein change: p.Leu558=; no amino-acid change (leucine 558 retained).
Molecular consequence: synonymous variant.
Genome position (GRCh38, 1-based): chr8:106,710,669, T>C. VCF-style: chr8-106710669-T-C. GRCh37 (hg19) VCF-style: chr8-107722897-T-C.
Other names: c.1675T>C, p.Leu559= (NM_001198532.1); c.1672T>C, p.Leu558= (NM_018002.3); c.1651T>C, p.Leu551= (NM_181354.4).
Identifiers: ClinVar variation 5040382 (VCV005040382.1).
Genomic context (GRCh38, chr8:106,710,669, plus strand): 5'-ATCTCAATTCTAGGTTCTGCACTTTTAAAAGAAAAGCAAAGGCATCGATTACATAAGTTC[T>C]TGTGTCTCAGAGTTGGAAAACCAATGAGGAAAACGTTTGTATCTCAAGCAAGTGCTACAA-3'
Protein context (NP_001185462.1, residues 548-568): EKQRHRLHKF[Leu558=]CLRVGKPMRK